The following is an entry in ClinVar:

ClinVar aggregate classification (germline): Uncertain significance. Review status: criteria provided, multiple submitters, no conflicts (2 of 4 stars). 5 submissions from 5 submitters: Uncertain significance (4). 1 of the submissions does not count toward it. Last evaluated 2026-03-09.

Conditions:
Inborn genetic diseases. Identifiers: MedGen C0950123, MeSH D030342.
CDH23-related disorder. Also called: CDH23-related disorders; CDH23-related condition.
Usher syndrome type 1 (USH1). Also called: RETINITIS PIGMENTOSA AND CONGENITAL DEAFNESS. Identifiers: Orphanet 231169, Orphanet 886, MedGen C1568247, MONDO:0010168, OMIM 276900.

Allele frequency attached by ClinVar (database versions not stated): gnomAD exomes 0.00001 and 0.00002; TOPMed 0.00001; ExAC 0.00005.
gnomAD v4.1: 19 of 1,611,478 alleles (0.0012%); highest among the groups gnomAD compares: Middle Eastern, 0.017%; no homozygotes.

Submissions (5):

PreventionGenetics, part of Exact Sciences
Classification: Uncertain significance for CDH23-related condition. Last evaluated: 2026-03-09. Review status: criteria provided, single submitter. Criteria: ACMG Guidelines, 2015. Collection method: clinical testing. Allele origin: germline.
Comment: The CDH23 c.4739G>A variant is predicted to result in the amino acid substitution p.Arg1580His. To our knowledge, this variant has not been reported in the literature. This variant is reported in 0.0067% of alleles in individuals of South Asian descent in gnomAD. At this time, the clinical significance of this variant is uncertain due to the absence of conclusive functional and genetic evidence.

Labcorp Genetics (formerly Invitae), Labcorp
Classification: Uncertain significance. Last evaluated: 2025-10-22. Review status: criteria provided, single submitter. Criteria: Invitae Variant Classification Sherloc (09022015). Collection method: clinical testing. Allele origin: germline.
Comment: This sequence change replaces arginine, which is basic and polar, with histidine, which is basic and polar, at codon 1580 of the CDH23 protein (p.Arg1580His). The frequency data for this variant in the population databases is considered unreliable, as metrics indicate poor data quality at this position in the gnomAD database. This variant has not been reported in the literature in individuals affected with CDH23-related conditions. ClinVar contains an entry for this variant (Variation ID: 1061269). Invitae Evidence Modeling of protein sequence and biophysical properties (such as structural, functional, and spatial information, amino acid conservation, physicochemical variation, residue mobility, and thermodynamic stability) has been performed for this missense variant. However, the output from this modeling did not meet the statistical confidence thresholds required to predict the impact of this variant on CDH23 protein function. In summary, the available evidence is currently insufficient to determine the role of this variant in disease. Therefore, it has been classified as a Variant of Uncertain Significance.

Ambry Genetics
Classification: Uncertain significance for Inborn genetic diseases. Last evaluated: 2025-10-07. Review status: criteria provided, single submitter. Criteria: Ambry Variant Classification Scheme 2023. Collection method: clinical testing. Allele origin: germline.

Blueprint Genetics
Classification: Uncertain significance. Last evaluated: 2019-03-07. Review status: criteria provided, single submitter. Criteria: ACMG Guidelines, 2015. Collection method: clinical testing. Allele origin: germline.

Natera, Inc.
Classification: Uncertain significance for Usher syndrome type 1. Last evaluated: 2020-12-28. Review status: no assertion criteria provided. Collection method: clinical testing. Allele origin: germline. Not counted in ClinVar's aggregate classification.

NM_022124.6(CDH23):c.4739G>A (p.Arg1580His)

Gene: CDH23 (cadherin related 23; plus strand). Cytogenetic location: 10q22.1.
Variant type: single nucleotide variant.
Coding change: c.4739G>A on transcript NM_022124.6 (MANE Select); coding-DNA position 4739, G replaced by A.
Protein change: p.Arg1580His; replaces arginine 1580 with histidine.
Molecular consequence: missense variant.
Genome position (GRCh38, 1-based): chr10:71,741,815, G>A. VCF-style: chr10-71741815-G-A. GRCh37 (hg19) VCF-style: chr10-73501572-G-A.
Other names: c.4739G>A (NM_022124.5); short protein forms R1580H.
Identifiers: ClinVar variation 1061269 (VCV001061269.7), dbSNP rs747067009, ClinGen allele CA5545137.